The following is an entry in ClinVar:

ClinVar aggregate classification (germline): Uncertain significance. Review status: criteria provided, multiple submitters, no conflicts (2 of 4 stars). 5 submissions from 5 submitters: Uncertain significance (5). Last evaluated 2026-09-15.

Conditions:
Thyroid dyshormonogenesis 6 (TDH6). Also called: THYROID HORMONOGENESIS, GENETIC DEFECT IN, 6; Genetic transient congenital hypothyroidism; HYPOTHYROIDISM, CONGENITAL, DUE TO DYSHORMONOGENESIS, 6. Identifiers: Orphanet 226316, Orphanet 95716, MedGen C1846632, MONDO:0011792, OMIM 607200.
DUOX2-related disorder. Also called: DUOX2-related condition.

Allele frequency attached by ClinVar (database versions not stated): gnomAD exomes 0.00003 and 0.00004; ExAC 0.00006; gnomAD 0.00002 and 0.00001; TOPMed 0.00002; 1000 Genomes Project 0.00020; ESP Exome Variant Server 0.00008; 1000 Genomes Project 30x 0.00016.
gnomAD v4.1: 46 of 1,614,000 alleles (0.0029%); highest among the groups gnomAD compares: South Asian, 0.041%; no homozygotes.

Submissions (5):

PreventionGenetics, part of Exact Sciences
Classification: Uncertain significance for DUOX2-related condition. Last evaluated: 2026-09-15. Review status: criteria provided, single submitter. Criteria: ACMG Guidelines, 2015. Collection method: clinical testing. Allele origin: germline.
Comment: The DUOX2 c.4405G>A variant is predicted to result in the amino acid substitution p.Glu1469Lys. This variant has been reported in the compound heterozygous state in multiple individuals with clinical and biochemical characteristics consistent with autosomal recessive congenital hypothyroidism (Park et al. 2016. PubMed ID: 26709262; Peters et al. 2019. PubMed ID: 31044655; Long et al. 2021. PubMed ID: 34539567; Baz-Redón et al. 2024. PubMed ID: 39126042). This variant is reported in 0.023% of alleles in individuals of South Asian descent in gnomAD.This variant is reported in 0.023% of alleles in individuals of South Asian descent in gnomAD. Although we suspect that this variant may be pathogenic, at this time, the clinical significance of this variant is uncertain due to the absence of conclusive functional and genetic evidence.

GeneDx
Classification: Uncertain significance. Last evaluated: 2026-03-22. Review status: criteria provided, single submitter. Criteria: GeneDx Variant Classification Process June 2021. Collection method: clinical testing. Allele origin: germline.
Comment: Reported along with a pathogenic second variant in the DUOX2 gene in patients with congenital hypothyroidism in the published literature; however, segregation information was not provided (PMID: 26709262, 33631011); Reported in a patient with congenital hypothyroidism in the published literature who also had variants in three other genes that may have been responsible for the phenotype (PMID: 32425884); In silico analysis supports that this missense variant has a deleterious effect on protein structure/function; This variant is associated with the following publications: (PMID: 30420871, Liu2023[Case Report], 34539567, 31044655, 34426522, 33651715, 39126042, 32425884, 26709262, 33631011, 30022773)

Labcorp Genetics (formerly Invitae), Labcorp
Classification: Uncertain significance. Last evaluated: 2026-02-01. Review status: criteria provided, single submitter. Criteria: Invitae Variant Classification Sherloc (09022015). Collection method: clinical testing. Allele origin: germline.
Comment: This sequence change replaces glutamic acid, which is acidic and polar, with lysine, which is basic and polar, at codon 1469 of the DUOX2 protein (p.Glu1469Lys). This variant is present in population databases (rs376623263, gnomAD 0.03%). This missense change has been observed in individual(s) with clinical features of DUOX2-related conditions (PMID: 26709262, 30022773, 31044655, 32425884). ClinVar contains an entry for this variant (Variation ID: 884965). Invitae Evidence Modeling of protein sequence and biophysical properties (such as structural, functional, and spatial information, amino acid conservation, physicochemical variation, residue mobility, and thermodynamic stability) indicates that this missense variant is expected to disrupt DUOX2 protein function with a positive predictive value of 95%. In summary, the available evidence is currently insufficient to determine the role of this variant in disease. Therefore, it has been classified as a Variant of Uncertain Significance.

Illumina Laboratory Services, Illumina
Classification: Uncertain significance for Thyroid dyshormonogenesis 6. Last evaluated: 2018-01-12. Review status: criteria provided, single submitter. Criteria: ICSL Variant Classification Criteria 13 December 2019. Collection method: clinical testing. Allele origin: germline.

Breakthrough Genomics
Classification: Uncertain significance. Review status: criteria provided, single submitter. Criteria: ACMG Guidelines, 2015. Collection method: not provided. Allele origin: germline. Inheritance: Autosomal recessive inheritance. Affected: yes.

Literature cited by the submitters: PubMed 26709262 (cited by Labcorp Genetics (formerly Invitae), Labcorp); PubMed 30022773 (cited by Labcorp Genetics (formerly Invitae), Labcorp); PubMed 31044655 (cited by Labcorp Genetics (formerly Invitae), Labcorp); PubMed 32425884 (cited by Labcorp Genetics (formerly Invitae), Labcorp).

NM_001363711.2(DUOX2):c.4405G>A (p.Glu1469Lys)

Gene: DUOX2 (dual oxidase 2; minus strand). Cytogenetic location: 15q21.1.
Variant type: single nucleotide variant.
Coding change: c.4405G>A on transcript NM_001363711.2 (MANE Select); coding-DNA position 4405, G replaced by A.
Protein change: p.Glu1469Lys; replaces glutamic acid 1469 with lysine.
Molecular consequence: missense variant.
Genome position (GRCh38, 1-based): chr15:45,094,682, C>T on the plus strand (G>A on the coding strand, the complement: DUOX2 is on the minus strand). VCF-style: chr15-45094682-C-T. GRCh37 (hg19) VCF-style: chr15-45386880-C-T.
Other names: c.4405G>A, p.Glu1469Lys (NM_014080.5); short protein forms E1469K.
Identifiers: ClinVar variation 884965 (VCV000884965.10), dbSNP rs376623263, ClinGen allele CA7537518.